The following is an entry in ClinVar:

NM_004086.3(COCH):c.1295_1297dup (p.Ala432_Val433insAla)

Genes: COCH (cochlin; plus strand), COCH-AS1 (COCH antisense RNA 1; minus strand). Cytogenetic location: 14q12.
Variant type: Duplication.
Coding change: c.1295_1297dup on transcript NM_004086.3 (MANE Select); coding-DNA positions 1295 to 1297, 3 bases duplicated (CTG; older notation c.1295_1297dupCTG).
Protein change: p.Ala432_Val433insAla.
Molecular consequence: non-coding transcript variant (on NR_038356.1).
Genome position (GRCh38, 1-based): chr14:30,886,130-30,886,132, CTG duplicated; duplicating any 3 consecutive bases within chr14:30,886,129-30,886,132 gives the same sequence; the c. name uses the placement nearest the transcript's 3' end. VCF-style (leftmost placement, unchanged base first): chr14-30886128-A-AGCT. GRCh37 (hg19) VCF-style: chr14-31355334-A-AGCT.
Other names: c.1295_1297dup, p.Ala432_Val433insAla (NM_001135058.2); c.1490_1492dup, p.Ala497_Val498insAla (NM_001347720.2).
Identifiers: ClinVar variation 4538161 (VCV004538161.1).

ClinVar aggregate classification (germline): Uncertain significance (1 of 4 stars; one submission).

Submission:

GeneDx
Classification: Uncertain significance. Last evaluated: 2025-06-12. Review status: criteria provided, single submitter. Criteria: GeneDx Variant Classification Process June 2021. Collection method: clinical testing. Allele origin: germline. Affected: yes.
Comment: In-frame duplication of 1amino acid(s) in a non-repeat region; Not observed at significant frequency in large population cohorts (gnomAD); Has not been previously published as pathogenic or benign to our knowledge